The following is an entry in ClinVar:

NM_001365951.3(KIF1B):c.5230A>G (p.Ile1744Val)

Gene: KIF1B (kinesin family member 1B; plus strand). Cytogenetic location: 1p36.22.
Variant type: single nucleotide variant.
Coding change: c.5230A>G on transcript NM_001365951.3 (MANE Select); coding-DNA position 5230, A replaced by G.
Protein change: p.Ile1744Val; replaces isoleucine 1744 with valine.
Molecular consequence: missense variant.
Genome position (GRCh38, 1-based): chr1:10,374,987, A>G. VCF-style: chr1-10374987-A-G. GRCh37 (hg19) VCF-style: chr1-10435045-A-G.
Other names: c.5230A>G, p.Ile1744Val (NM_001365952.1); c.5092A>G, p.Ile1698Val (NM_015074.3); short protein forms I1698V, I1744V.
Identifiers: ClinVar variation 4713315 (VCV004713315.1).

ClinVar aggregate classification (germline): Uncertain significance (1 of 4 stars; one submission).

Conditions:
Charcot-Marie-Tooth disease type 2. Also called: Charcot-Marie-Tooth type 2. Identifiers: Orphanet 64746, MedGen C0270914, MONDO:0018993.

gnomAD v4.1: 1 of 1,614,122 alleles (0.000062%); highest among the groups gnomAD compares: Non-Finnish European, 0.000085%; no homozygotes.

Submission:

Labcorp Genetics (formerly Invitae), Labcorp
Classification: Uncertain significance for Charcot-Marie-Tooth disease type 2. Last evaluated: 2025-02-17. Review status: criteria provided, single submitter. Criteria: Invitae Variant Classification Sherloc (09022015). Collection method: clinical testing. Allele origin: germline.
Comment: This sequence change replaces isoleucine, which is neutral and non-polar, with valine, which is neutral and non-polar, at codon 1698 of the KIF1B protein (p.Ile1698Val). This variant is not present in population databases (gnomAD no frequency). This variant has not been reported in the literature in individuals affected with KIF1B-related conditions. An algorithm developed to predict the effect of missense changes on protein structure and function outputs the following: PolyPhen-2: "Benign". The valine amino acid residue is found in multiple mammalian species, which suggests that this missense change does not adversely affect protein function. In summary, the available evidence is currently insufficient to determine the role of this variant in disease. Therefore, it has been classified as a Variant of Uncertain Significance.